The following is an entry in ClinVar:

NM_022168.4(IFIH1):c.310T>G (p.Ser104Ala)

Gene: IFIH1 (interferon induced with helicase C domain 1; minus strand). Cytogenetic location: 2q24.2.
Variant type: single nucleotide variant.
Coding change: c.310T>G on transcript NM_022168.4 (MANE Select); coding-DNA position 310, T replaced by G.
Protein change: p.Ser104Ala; replaces serine 104 with alanine.
Molecular consequence: missense variant.
Genome position (GRCh38, 1-based): chr2:162,317,998, A>C on the plus strand (T>G on the coding strand, the complement: IFIH1 is on the minus strand). VCF-style: chr2-162317998-A-C. GRCh37 (hg19) VCF-style: chr2-163174508-A-C.
Other names: c.310T>G (NM_022168.3); short protein forms S104A.
Identifiers: ClinVar variation 2952973 (VCV002952973.4), dbSNP rs2469005674, ClinGen allele CA349013639.

ClinVar aggregate classification (germline): Uncertain significance. Review status: criteria provided, multiple submitters, no conflicts (2 of 4 stars). 2 submissions from 2 submitters: Uncertain significance (2). Last evaluated 2024-04-25.

Conditions:
Aicardi-Goutieres syndrome 7 (AGS7). Identifiers: Orphanet 51, MedGen C3888244, MONDO:0014367, OMIM 615846.
Singleton-Merten syndrome 1 (SGMRT1). Also called: Widened medullary cavities of bone, aortic calcification, abnormal dentition, and muscular weakness; Syndrome of widened medullary cavities of the metacarpals and phalanges, aortic calcification and abnormal dentition. Identifiers: Orphanet 85191, MedGen C4225427, MONDO:0024535, OMIM 182250.

Submissions (2):

GeneDx
Classification: Uncertain significance. Last evaluated: 2024-04-25. Review status: criteria provided, single submitter. Criteria: GeneDx Variant Classification Process June 2021. Collection method: clinical testing. Allele origin: germline. Affected: yes.
Comment: Not observed at significant frequency in large population cohorts (gnomAD); In silico analysis indicates that this missense variant does not alter protein structure/function; Has not been previously published as pathogenic or benign to our knowledge

Labcorp Genetics (formerly Invitae), Labcorp
Classification: Uncertain significance for Aicardi-Goutieres syndrome 7; Singleton-Merten syndrome 1. Last evaluated: 2023-10-17. Review status: criteria provided, single submitter. Criteria: Invitae Variant Classification Sherloc (09022015). Collection method: clinical testing. Allele origin: germline.
Comment: This sequence change replaces serine, which is neutral and polar, with alanine, which is neutral and non-polar, at codon 104 of the IFIH1 protein (p.Ser104Ala). This variant is not present in population databases (gnomAD no frequency). This variant has not been reported in the literature in individuals affected with IFIH1-related conditions. Advanced modeling of protein sequence and biophysical properties (such as structural, functional, and spatial information, amino acid conservation, physicochemical variation, residue mobility, and thermodynamic stability) has been performed at Invitae for this missense variant, however the output from this modeling did not meet the statistical confidence thresholds required to predict the impact of this variant on IFIH1 protein function. In summary, the available evidence is currently insufficient to determine the role of this variant in disease. Therefore, it has been classified as a Variant of Uncertain Significance.